The following is an entry in ClinVar:

NM_176824.3(BBS7):c.271A>G (p.Arg91Gly)

Gene: BBS7 (Bardet-Biedl syndrome 7; minus strand). Cytogenetic location: 4q27.
Variant type: single nucleotide variant.
Coding change: c.271A>G on transcript NM_176824.3 (MANE Select); coding-DNA position 271, A replaced by G.
Protein change: p.Arg91Gly; replaces arginine 91 with glycine.
Molecular consequence: missense variant.
Genome position (GRCh38, 1-based): chr4:121,861,574, T>C on the plus strand (A>G on the coding strand, the complement: BBS7 is on the minus strand). VCF-style: chr4-121861574-T-C. GRCh37 (hg19) VCF-style: chr4-122782729-T-C.
Other names: c.271A>G, p.Arg91Gly (NM_018190.4); short protein forms R91G.
Identifiers: ClinVar variation 863532 (VCV000863532.6), dbSNP rs1050167281, ClinGen allele CA104731607.
Genomic context (GRCh38, chr4:121,861,574, plus strand): 5'-TGCTTTCAGTGAGGTTTGTTTCAAAGGAGAGGAACTGTTTTCCTCTTTTTGTGAAGCCTC[T>C]AATCTCAGATGCTGCAGCAATAAAAATTTTCTCCTGAGGTGTGTTGATAACCCCTCCCAG-3'
Protein context (NP_789794.1, residues 81-101): KIFIAAASEI[Arg91Gly]GFTKRGKQFL

ClinVar aggregate classification (germline): Uncertain significance. Review status: criteria provided, multiple submitters, no conflicts (2 of 4 stars). 3 submissions from 3 submitters: Uncertain significance (3). Last evaluated 2025-09-07.

Conditions:
Bardet-Biedl syndrome (BBS). Identifiers: Orphanet 110, MedGen C0752166, MONDO:0015229.
BBS7-related disorder. Also called: BBS7-related condition.
Bardet-Biedl syndrome 7 (BBS7). Identifiers: Orphanet 110, MedGen C1859565, MONDO:0014435, OMIM 615984.

Allele frequency attached by ClinVar (database versions not stated): gnomAD exomes below 0.00001.
gnomAD v4.1: 6 of 1,613,862 alleles (0.00037%); highest among the groups gnomAD compares: Non-Finnish European, 0.00042%; no homozygotes.

Submissions (3):

PreventionGenetics, part of Exact Sciences
Classification: Uncertain significance for BBS7-related condition. Last evaluated: 2025-09-07. Review status: criteria provided, single submitter. Criteria: ACMG Guidelines, 2015. Collection method: clinical testing. Allele origin: germline.
Comment: The BBS7 c.271A>G variant is predicted to result in the amino acid substitution p.Arg91Gly. To our knowledge, this variant has not been reported in the literature or in a large population database (gnomAD), indicating this variant is rare. At this time, the clinical significance of this variant is uncertain due to the absence of conclusive functional and genetic evidence.

Labcorp Genetics (formerly Invitae), Labcorp
Classification: Uncertain significance for Bardet-Biedl syndrome. Last evaluated: 2021-08-13. Review status: criteria provided, single submitter. Criteria: Invitae Variant Classification Sherloc (09022015). Collection method: clinical testing. Allele origin: germline.
Comment: This sequence change replaces arginine with glycine at codon 91 of the BBS7 protein (p.Arg91Gly). The arginine residue is highly conserved and there is a moderate physicochemical difference between arginine and glycine. This variant is not present in population databases (ExAC no frequency). This variant has not been reported in the literature in individuals affected with BBS7-related conditions. Algorithms developed to predict the effect of missense changes on protein structure and function (SIFT, PolyPhen-2, Align-GVGD) all suggest that this variant is likely to be disruptive. In summary, the available evidence is currently insufficient to determine the role of this variant in disease. Therefore, it has been classified as a Variant of Uncertain Significance.

Fulgent Genetics
Classification: Uncertain significance for Bardet-Biedl syndrome 7. Last evaluated: 2021-07-13. Review status: criteria provided, single submitter. Criteria: ACMG Guidelines, 2015. Collection method: clinical testing. Allele origin: unknown.